The following is an entry in ClinVar:

NM_001199397.3(NEK1):c.460A>T (p.Asn154Tyr)

Gene: NEK1 (NIMA related kinase 1; minus strand). Cytogenetic location: 4q33.
Variant type: single nucleotide variant.
Coding change: c.460A>T on transcript NM_001199397.3 (MANE Select); coding-DNA position 460, A replaced by T.
Protein change: p.Asn154Tyr; replaces asparagine 154 with tyrosine.
Molecular consequence: missense variant. On other transcripts: non-coding transcript variant (2).
Genome position (GRCh38, 1-based): chr4:169,589,451, T>A on the plus strand (A>T on the coding strand, the complement: NEK1 is on the minus strand). VCF-style: chr4-169589451-T-A. GRCh37 (hg19) VCF-style: chr4-170510602-T-A.
Other names: c.460A>T, p.Asn154Tyr (NM_001199398.3, NM_001199399.3, NM_001199400.3 and 7 more transcripts); short protein forms N154Y.
Identifiers: ClinVar variation 1409371 (VCV001409371.8), dbSNP rs756418625, ClinGen allele CA109921186.

ClinVar aggregate classification (germline): Uncertain significance (1 of 4 stars; one submission).

Conditions:
Short-rib thoracic dysplasia 6 with or without polydactyly (SRTD6). Also called: POLYDACTYLY WITH NEONATAL CHONDRODYSTROPHY, TYPE II; Majewski Syndrome; SHORT RIB-POLYDACTYLY SYNDROME, TYPE IIA; SHORT-RIB THORACIC DYSPLASIA 6 WITH POLYDACTYLY; SHORT-RIB THORACIC DYSPLASIA 6 WITHOUT POLYDACTYLY. Identifiers: MedGen C0024507, MONDO:0009894, OMIM 263520.

Allele frequency attached by ClinVar (database versions not stated): gnomAD 0.00001; TOPMed 0.00003.
gnomAD v4.1: 5 of 1,489,722 alleles (0.00034%); highest among the groups gnomAD compares: East Asian, 0.0098%; no homozygotes.

Submission:

Labcorp Genetics (formerly Invitae), Labcorp
Classification: Uncertain significance for Short-rib thoracic dysplasia 6 with or without polydactyly. Last evaluated: 2022-02-03. Review status: criteria provided, single submitter. Criteria: Invitae Variant Classification Sherloc (09022015). Collection method: clinical testing. Allele origin: germline.
Comment: This sequence change replaces asparagine, which is neutral and polar, with tyrosine, which is neutral and polar, at codon 154 of the NEK1 protein (p.Asn154Tyr). This variant is present in population databases (no rsID available, gnomAD 0.03%). This missense change has been observed in individual(s) with amyotrophic lateral sclerosis (PMID: 32462798). Algorithms developed to predict the effect of missense changes on protein structure and function (SIFT, PolyPhen-2, Align-GVGD) all suggest that this variant is likely to be disruptive. In summary, the available evidence is currently insufficient to determine the role of this variant in disease. Therefore, it has been classified as a Variant of Uncertain Significance.

Literature cited by the submitters: PubMed 32462798.